The following is an entry in ClinVar:

ClinVar aggregate classification (germline): Uncertain significance (1 of 4 stars; one submission).

Allele frequency attached by ClinVar (database versions not stated): gnomAD exomes below 0.00001.
gnomAD v4.1: 1 of 1,614,048 alleles (0.000062%); highest among the groups gnomAD compares: Non-Finnish European, 0.000085%; no homozygotes.

Submission:

Labcorp Genetics (formerly Invitae), Labcorp
Classification: Uncertain significance. Last evaluated: 2024-10-23. Review status: criteria provided, single submitter. Criteria: Invitae Variant Classification Sherloc (09022015). Collection method: clinical testing. Allele origin: germline.
Comment: This sequence change replaces serine, which is neutral and polar, with asparagine, which is neutral and polar, at codon 2057 of the TRRAP protein (p.Ser2057Asn). This variant is not present in population databases (gnomAD no frequency). This variant has not been reported in the literature in individuals affected with TRRAP-related conditions. Invitae Evidence Modeling of protein sequence and biophysical properties (such as structural, functional, and spatial information, amino acid conservation, physicochemical variation, residue mobility, and thermodynamic stability) indicates that this missense variant is not expected to disrupt TRRAP protein function with a negative predictive value of 80%. In summary, the available evidence is currently insufficient to determine the role of this variant in disease. Therefore, it has been classified as a Variant of Uncertain Significance.

NM_001375524.1(TRRAP):c.6245G>A (p.Ser2082Asn)

Gene: TRRAP (transformation/transcription domain associated protein; plus strand). Cytogenetic location: 7q22.1.
Variant type: single nucleotide variant.
Coding change: c.6245G>A on transcript NM_001375524.1 (MANE Select); coding-DNA position 6245, G replaced by A.
Protein change: p.Ser2082Asn; replaces serine 2082 with asparagine.
Molecular consequence: missense variant.
Genome position (GRCh38, 1-based): chr7:98,957,994, G>A. VCF-style: chr7-98957994-G-A. GRCh37 (hg19) VCF-style: chr7-98555617-G-A.
Other names: c.6224G>A, p.Ser2075Asn (NM_001244580.2); c.6170G>A, p.Ser2057Asn (NM_003496.4); short protein forms S2075N, S2057N, S2082N.
Identifiers: ClinVar variation 2770852 (VCV002770852.3), dbSNP rs1554420254, ClinGen allele CA368328246.